The following is an entry in ClinVar:

NM_000089.4(COL1A2):c.2882G>A (p.Gly961Asp)

Gene: COL1A2 (collagen type I alpha 2 chain; plus strand). Cytogenetic location: 7q21.3.
Variant type: single nucleotide variant.
Coding change: c.2882G>A on transcript NM_000089.4 (MANE Select); coding-DNA position 2882, G replaced by A.
Protein change: p.Gly961Asp; replaces glycine 961 with aspartic acid.
Molecular consequence: missense variant.
Genome position (GRCh38, 1-based): chr7:94,425,796, G>A. VCF-style: chr7-94425796-G-A. GRCh37 (hg19) VCF-style: chr7-94055108-G-A.
Other names: short protein forms G961D.
Identifiers: ClinVar variation 1917801 (VCV001917801.5), dbSNP rs140194114, ClinGen allele CA368224815.

ClinVar aggregate classification (germline): Pathogenic (1 of 4 stars; one submission).

Conditions:
Ehlers-Danlos syndrome, classic type, 1 (EDSCL1). Also called: Ehlers-Danlos syndrome, type 1; Ehlers-Danlos Syndrome, Classic Type, COL5A1-Related; EDS I; EHLERS-DANLOS SYNDROME, GRAVIS TYPE; EHLERS-DANLOS SYNDROME, SEVERE CLASSIC TYPE. Identifiers: MedGen C0268335, MONDO:0019567, OMIM 130000.
Osteogenesis imperfecta type I (OI1). Also called: Osteogenesis imperfecta type 1; Lobstein's Disease; Lobstein disease; OI, TYPE I; OSTEOGENESIS IMPERFECTA TARDA; OSTEOGENESIS IMPERFECTA WITH BLUE SCLERAE. Identifiers: Orphanet 216796, Orphanet 666, MedGen C0023931, MONDO:0008146, OMIM 166200. Disease mechanism: loss of function.

Submission:

Labcorp Genetics (formerly Invitae), Labcorp
Classification: Pathogenic for Osteogenesis imperfecta type I; Ehlers-Danlos syndrome, classic type, 1. Last evaluated: 2026-01-06. Review status: criteria provided, single submitter. Criteria: Invitae Variant Classification Sherloc (09022015). Collection method: clinical testing. Allele origin: germline.
Comment: This sequence change replaces glycine, which is neutral and non-polar, with aspartic acid, which is acidic and polar, at codon 961 of the COL1A2 protein (p.Gly961Asp). This variant is not present in population databases (gnomAD no frequency). This missense change has been observed in individual(s) with autosomal dominant osteogenesis imperfecta (PMID: 31414283). ClinVar contains an entry for this variant (Variation ID: 1917801). Invitae Evidence Modeling of protein sequence and biophysical properties (such as structural, functional, and spatial information, amino acid conservation, physicochemical variation, residue mobility, and thermodynamic stability) indicates that this missense variant is expected to disrupt COL1A2 protein function with a positive predictive value of 95%. This variant disrupts the triple helix domain of COL1A2. Glycine residues within the Gly-Xaa-Yaa repeats of the triple helix domain are required for the structure and stability of fibrillar collagens (PMID: 7695699, 8218237, 19344236). In COL1A2, variants affecting these glycine residues are significantly enriched in individuals with disease (PMID: 9016532, 17078022) compared to the general population (ExAC). For these reasons, this variant has been classified as Pathogenic.

Literature cited by the submitters: PubMed 31414283; PubMed 7695699; PubMed 8218237; PubMed 19344236; PubMed 9016532; PubMed 17078022.